The following is an entry in ClinVar:

NM_000038.6(APC):c.6452C>T (p.Thr2151Ile)

Gene: APC (APC regulator of Wnt signaling pathway; plus strand). Cytogenetic location: 5q22.2.
Variant type: single nucleotide variant.
Coding change: c.6452C>T on transcript NM_000038.6 (MANE Select); coding-DNA position 6452, C replaced by T.
Protein change: p.Thr2151Ile; replaces threonine 2151 with isoleucine.
Molecular consequence: missense variant.
Genome position (GRCh38, 1-based): chr5:112,842,046, C>T. VCF-style: chr5-112842046-C-T. GRCh37 (hg19) VCF-style: chr5-112177743-C-T.
Other names: c.6452C>T, p.Thr2151Ile (NM_001127510.3, NM_001354895.2); c.6398C>T, p.Thr2133Ile (NM_001127511.3); c.6506C>T, p.Thr2169Ile (NM_001354896.2); c.6482C>T, p.Thr2161Ile (NM_001354897.2); c.6377C>T, p.Thr2126Ile (NM_001354898.2); c.6368C>T, p.Thr2123Ile (NM_001354899.2); c.6329C>T, p.Thr2110Ile (NM_001354900.2); c.6275C>T, p.Thr2092Ile (NM_001354901.2); and 5 more; short protein forms T2151I, T2133I, T2092I, T2123I, T2169I, T2025I, T2060I, T2161I.
Identifiers: ClinVar variation 411412 (VCV000411412.19), dbSNP rs1060503293, ClinGen allele CA16035449.

ClinVar aggregate classification (germline): Uncertain significance. Review status: criteria provided, multiple submitters, no conflicts (2 of 4 stars). 6 submissions from 6 submitters: Uncertain significance (6). Last evaluated 2025-08-20.

Conditions:
Hereditary cancer-predisposing syndrome. Also called: Tumor predisposition; Hereditary Cancer Syndrome; Hereditary neoplastic syndrome; Neoplastic Syndromes, Hereditary. Identifiers: Orphanet 140162, MedGen C0027672, MeSH D009386, MONDO:0015356.
Familial adenomatous polyposis 1 (FAP1). Also called: FAMILIAL ADENOMATOUS POLYPOSIS 1, ATTENUATED; POLYPOSIS, ADENOMATOUS INTESTINAL. Identifiers: MedGen C2713442, MONDO:0021056, OMIM 175100. Disease mechanism: loss of function.

Allele frequency attached by ClinVar (database versions not stated): gnomAD exomes below 0.00001; TOPMed below 0.00001; gnomAD 0.00001.

Submissions (6):

Labcorp Genetics (formerly Invitae), Labcorp
Classification: Uncertain significance for Familial adenomatous polyposis 1. Last evaluated: 2025-08-20. Review status: criteria provided, single submitter. Criteria: Invitae Variant Classification Sherloc (09022015). Collection method: clinical testing. Allele origin: germline.
Comment: This sequence change replaces threonine, which is neutral and polar, with isoleucine, which is neutral and non-polar, at codon 2151 of the APC protein (p.Thr2151Ile). This variant is present in population databases (no rsID available, gnomAD 0.01%). This variant has not been reported in the literature in individuals affected with APC-related conditions. ClinVar contains an entry for this variant (Variation ID: 411412). Invitae Evidence Modeling of protein sequence and biophysical properties (such as structural, functional, and spatial information, amino acid conservation, physicochemical variation, residue mobility, and thermodynamic stability) indicates that this missense variant is not expected to disrupt APC protein function with a negative predictive value of 95%. In summary, the available evidence is currently insufficient to determine the role of this variant in disease. Therefore, it has been classified as a Variant of Uncertain Significance.

Ambry Genetics
Classification: Uncertain significance for Hereditary cancer-predisposing syndrome. Last evaluated: 2025-07-29. Review status: criteria provided, single submitter. Criteria: Ambry Variant Classification Scheme 2023. Collection method: clinical testing. Allele origin: germline.
Comment: The p.T2151I variant (also known as c.6452C>T), located in coding exon 15 of the APC gene, results from a C to T substitution at nucleotide position 6452. The threonine at codon 2151 is replaced by isoleucine, an amino acid with similar properties. This amino acid position is highly conserved in available vertebrate species. In addition, in silico predictors for this gene do not accurately predict pathogenicity. Since supporting evidence is limited at this time, the clinical significance of this alteration remains unclear.

Color Diagnostics, LLC DBA Color Health
Classification: Uncertain significance for Hereditary cancer-predisposing syndrome. Last evaluated: 2025-07-15. Review status: criteria provided, single submitter. Criteria: ACMG Guidelines, 2015. Collection method: clinical testing. Allele origin: germline.
Comment: This missense variant replaces threonine with isoleucine at codon 2151 of the APC protein. Computational prediction suggests that this variant may not impact protein structure and function. To our knowledge, functional studies have not been reported for this variant. This variant has not been reported in individuals affected with APC-related disorders in the literature. This variant has been identified in 1/31406 chromosomes in the general population by the Genome Aggregation Database (gnomAD). The available evidence is insufficient to determine the role of this variant in disease conclusively. Therefore, this variant is classified as a Variant of Uncertain Significance.

Baylor Genetics
Classification: Uncertain significance for Familial adenomatous polyposis 1. Last evaluated: 2023-09-24. Review status: criteria provided, single submitter. Criteria: ACMG Guidelines, 2015. Collection method: clinical testing. Allele origin: unknown.

Quest Diagnostics Nichols Institute San Juan Capistrano
Classification: Uncertain significance. Last evaluated: 2020-10-29. Review status: criteria provided, single submitter. Criteria: Quest Diagnostics criteria. Collection method: clinical testing. Allele origin: unknown.

GeneDx
Classification: Uncertain significance. Last evaluated: 2017-03-27. Review status: criteria provided, single submitter. Criteria: GeneDx Variant Classification (06012015). Collection method: clinical testing. Allele origin: germline. Affected: yes.
Comment: This variant is denoted APC c.6452C>T at the cDNA level, p.Thr2151Ile (T2151I) at the protein level, and results in the change of a Threonine to an Isoleucine (ACA>ATA). This variant has not, to our knowledge, been published in the literature as pathogenic or benign. APC Thr2151Ile was not observed in approximately 6,500 individuals of European and African American ancestry in the NHLBI Exome Sequencing Project, suggesting it is not a common benign variant in these populations. Since Threonine and Isoleucine differ in polarity, charge, size or other properties, this is considered a non-conservative amino acid substitution. APC Thr2151Ile occurs at a position that is conserved in mammals and is located in a modified phosphothreonine residue (UniProt). In silico analyses predict that this variant is probably damaging to protein structure and function. Based on currently available evidence, it is unclear whether APC Thr2151Ile is a pathogenic or benign variant. We consider it to be a variant of uncertain significance.